The following is an entry in ClinVar:

NM_000458.4(HNF1B):c.*47T>G

Gene: HNF1B (HNF1 homeobox B; minus strand). Cytogenetic location: 17q12.
Variant type: single nucleotide variant.
Coding change: c.*47T>G on transcript NM_000458.4 (MANE Select); 47 bases downstream of the stop codon, T replaced by G.
Molecular consequence: 3 prime UTR variant. On other transcripts: missense variant (1).
Genome position (GRCh38, 1-based): chr17:37,687,325, A>C on the plus strand (T>G on the coding strand, the complement: HNF1B is on the minus strand). VCF-style: chr17-37687325-A-C. GRCh37 (hg19) VCF-style: chr17-36047328-A-C.
Other names: c.*47T>G (NM_001165923.4); c.1329T>G, p.Phe443Leu (NM_001304286.2); short protein forms F443L.
Identifiers: ClinVar variation 322943 (VCV000322943.10), dbSNP rs8068014, ClinGen allele CA8518750.

ClinVar aggregate classification (germline): Benign/Likely benign. Review status: criteria provided, multiple submitters, no conflicts (2 of 4 stars). 5 submissions from 5 submitters: Benign (4); Likely benign (1). Last evaluated 2024-11-13.

Conditions:
Renal cysts and diabetes syndrome (RCAD). Also called: Familial hypoplastic, glomerulocystic kidney; MATURITY-ONSET DIABETES OF THE YOUNG, TYPE 5. Identifiers: Orphanet 93111, MedGen C0431693, MONDO:0007669, OMIM 137920.
Monogenic diabetes. Identifiers: Orphanet 183625, MedGen C3888631, MONDO:0015967.

Allele frequency attached by ClinVar (database versions not stated): gnomAD exomes 0.00705; ExAC 0.00872; gnomAD 0.02715 and 0.02908; TOPMed 0.02981; 1000 Genomes Project 0.03015; ESP Exome Variant Server 0.03137; 1000 Genomes Project 30x 0.03435.
gnomAD v4.1: 8,080 of 1,614,022 alleles (0.5%); highest among the groups gnomAD compares: African/African-American, 9.6%; 372 homozygotes.

Submissions (5):

Blueprint Genetics
Classification: Likely benign. Last evaluated: 2024-11-13. Review status: criteria provided, single submitter. Criteria: ACMG Guidelines, 2015. Collection method: clinical testing. Allele origin: germline.

GeneDx
Classification: Benign. Last evaluated: 2018-07-15. Review status: criteria provided, single submitter. Criteria: GeneDx Variant Classification Process June 2021. Collection method: clinical testing. Allele origin: germline. Affected: yes.

Illumina Laboratory Services, Illumina
Classification: Benign for Renal cysts and diabetes syndrome. Last evaluated: 2018-01-13. Review status: criteria provided, single submitter. Criteria: ICSL Variant Classification Criteria 13 December 2019. Collection method: clinical testing. Allele origin: germline.
Comment: This variant was observed in the ICSL laboratory as part of a predisposition screen in an ostensibly healthy population. It had not been previously curated by ICSL or reported in the Human Gene Mutation Database (HGMD: prior to June 1st, 2018), and was therefore a candidate for classification through an automated scoring system. Utilizing variant allele frequency, disease prevalence and penetrance estimates, and inheritance mode, an automated score was calculated to assess if this variant is too frequent to cause the disease. Based on the score and internal cut-off values, a variant classified as benign is not then subjected to further curation. The score for this variant resulted in a classification of benign for this disease.

Personalized Diabetes Medicine Program, University of Maryland School of Medicine
Classification: Benign for Monogenic diabetes. Last evaluated: 2016-10-11. Review status: criteria provided, single submitter. Criteria: ACMG Guidelines, 2015. Collection method: research. Allele origin: unknown. Observed: 7 variant alleles, 7 heterozygotes.
Comment: ACMG Criteria: PP3, BS1 (ExAC AFR), BS2 (ExAC), BP4

Breakthrough Genomics
Classification: Benign. Review status: criteria provided, single submitter. Criteria: ACMG Guidelines, 2015. Collection method: not provided. Allele origin: germline. Inheritance: Autosomal dominant inheritance. Affected: yes.